The following is an entry in ClinVar:

ClinVar aggregate classification (germline): Likely benign. Review status: criteria provided, multiple submitters, no conflicts (2 of 4 stars). 2 submissions from 2 submitters: Likely benign (2). Last evaluated 2018-06-14.

Allele frequency attached by ClinVar (database versions not stated): 1000 Genomes Project 0.00579; gnomAD 0.02045; 1000 Genomes Project 30x 0.01015; TOPMed 0.01949.

Submissions (2):

GeneDx
Classification: Likely benign. Last evaluated: 2018-06-14. Review status: criteria provided, single submitter. Criteria: GeneDx Variant Classification (06012015). Collection method: clinical testing. Allele origin: germline. Affected: yes.
Comment: This variant is considered likely benign or benign based on one or more of the following criteria: it is a conservative change, it occurs at a poorly conserved position in the protein, it is predicted to be benign by multiple in silico algorithms, and/or has population frequency not consistent with disease.

Breakthrough Genomics
Classification: Likely benign. Review status: criteria provided, single submitter. Criteria: ACMG Guidelines, 2015. Collection method: not provided. Allele origin: germline. Inheritance: Autosomal dominant inheritance. Affected: yes.

NM_001035.2(RYR2):c.-420G>C

Gene: RYR2 (ryanodine receptor 2; plus strand). Cytogenetic location: 1q43.
Variant type: single nucleotide variant.
Coding change: c.-420G>C on transcript NM_001035.2; 420 bases upstream of the start codon, G replaced by C.
Genome position (GRCh38, 1-based): chr1:237,042,102, G>C. VCF-style: chr1-237042102-G-C. GRCh37 (hg19) VCF-style: chr1-237205402-G-C.
Identifiers: ClinVar variation 671631 (VCV000671631.4), dbSNP rs529074394, ClinGen allele CA39930469.